The following is an entry in ClinVar:

NM_015512.5(DNAH1):c.7618G>A (p.Val2540Met)

Gene: DNAH1 (dynein axonemal heavy chain 1; plus strand). Cytogenetic location: 3p21.1.
Variant type: single nucleotide variant.
Coding change: c.7618G>A on transcript NM_015512.5 (MANE Select); coding-DNA position 7618, G replaced by A.
Protein change: p.Val2540Met; replaces valine 2540 with methionine.
Molecular consequence: missense variant.
Genome position (GRCh38, 1-based): chr3:52,381,649, G>A. VCF-style: chr3-52381649-G-A. GRCh37 (hg19) VCF-style: chr3-52415665-G-A.
Other names: short protein forms V2540M.
Identifiers: ClinVar variation 1043889 (VCV001043889.5), dbSNP rs372646577, ClinGen allele CA74770488.

ClinVar aggregate classification (germline): Uncertain significance (1 of 4 stars; one submission).

Conditions:
Spermatogenic failure 18. Identifiers: MedGen C4539783, MONDO:0054615, OMIM 617576.
Ciliary dyskinesia, primary, 37 (CILD37). Also called: CILIARY DYSKINESIA, PRIMARY, 37, WITH OR WITHOUT SITUS INVERSUS. Identifiers: MedGen C4539798, MONDO:0033204, OMIM 617577.

Allele frequency attached by ClinVar (database versions not stated): gnomAD exomes below 0.00001; gnomAD 0.00001; 1000 Genomes Project 30x 0.00016.
gnomAD v4.1: 13 of 1,605,060 alleles (0.00081%); highest among the groups gnomAD compares: African/African-American, 0.0067%; no homozygotes.

Submission:

Labcorp Genetics (formerly Invitae), Labcorp
Classification: Uncertain significance for Ciliary dyskinesia, primary, 37; Spermatogenic failure 18. Last evaluated: 2022-11-01. Review status: criteria provided, single submitter. Criteria: Invitae Variant Classification Sherloc (09022015). Collection method: clinical testing. Allele origin: germline.
Comment: In summary, the available evidence is currently insufficient to determine the role of this variant in disease. Therefore, it has been classified as a Variant of Uncertain Significance. Advanced modeling of protein sequence and biophysical properties (such as structural, functional, and spatial information, amino acid conservation, physicochemical variation, residue mobility, and thermodynamic stability) has been performed at Invitae for this missense variant, however the output from this modeling did not meet the statistical confidence thresholds required to predict the impact of this variant on DNAH1 protein function. ClinVar contains an entry for this variant (Variation ID: 1043889). This variant has not been reported in the literature in individuals affected with DNAH1-related conditions. This variant is not present in population databases (gnomAD no frequency). This sequence change replaces valine, which is neutral and non-polar, with methionine, which is neutral and non-polar, at codon 2540 of the DNAH1 protein (p.Val2540Met).